The following is an entry in ClinVar:

ClinVar aggregate classification (germline): Likely pathogenic. Review status: reviewed by expert panel (3 of 4 stars). 19 submissions from 19 submitters: Likely pathogenic (1). 18 of the submissions do not count toward it. Last evaluated 2015-12-16.

Conditions:
MYH7-related disorder. Also called: MYH7-related disorders; MYH7-related condition; MYH7-related disease.
Cardiovascular phenotype. Identifiers: MedGen CN230736.
MYH7-related skeletal myopathy. Also called: Myopathy, distal, 1; Laing distal myopathy; Laing early-onset distal myopathy; MYOPATHY, DISTAL, EARLY-ONSET, AUTOSOMAL DOMINANT; MYOPATHY, LATE DISTAL HEREDITARY. Identifiers: Orphanet 59135, MedGen C4552004, MONDO:0008050, OMIM 160500.
Myopathy, myosin storage, autosomal recessive (CMYO7B). Also called: CONGENITAL MYOPATHY 7B, MYOSIN STORAGE, AUTOSOMAL RECESSIVE. Identifiers: Orphanet 636970, MedGen C1850709, MONDO:0009708, OMIM 255160.
Myosin storage myopathy (CMYO7A). Also called: MYOPATHY WITH LYSIS OF TYPE I MYOFIBRILS; MYOPATHY, HYALINE BODY, AUTOSOMAL DOMINANT; MYH7-related late-onset scapuloperoneal muscular dystrophy; Congenital myopathy 7A, myosin storage, autosomal dominant; SCAPULOPERONEAL MUSCULAR DYSTROPHY; SCAPULOPERONEAL SYNDROME, MYOPATHIC TYPE. Identifiers: Orphanet 437572, Orphanet 636965, MedGen C1842160, MONDO:0008409, OMIM 608358.
Dilated cardiomyopathy 1S (CMD1S). Identifiers: Orphanet 154, Orphanet 54260, MedGen C1834481, MONDO:0013262, OMIM 613426.
Hypertrophic cardiomyopathy 1 (CMH1). Also called: MYH7-Related Familial Hypertrophic Cardiomyopathy; Familial hypertrophic cardiomyopathy 1. Identifiers: MedGen C3495498, MONDO:0008647, OMIM 192600.
Congenital myopathy with fiber type disproportion. Also called: Congenital fiber-type disproportion; Congenital fiber-type disproportion myopathy. Identifiers: Orphanet 2020, MedGen C0546264, MONDO:0009711. Inheritance: all.
Cardiomyopathy (CMYO). Also called: Cardiomyopathies. Identifiers: Orphanet 167848, MedGen C0878544, MONDO:0004994, HP:0001638. Inheritance: Various modes of inheritance.
Hypertrophic cardiomyopathy. Also called: HYPERTROPHIC MYOCARDIOPATHY. Identifiers: Orphanet 217569, MedGen C0007194, MeSH D002312, MONDO:0005045, HP:0001639.

Allele frequency attached by ClinVar (database versions not stated): gnomAD exomes below 0.00001; ExAC 0.00001; gnomAD 0.00001; TOPMed 0.00001.
gnomAD v4.1: 6 of 1,613,968 alleles (0.00037%); highest among the groups gnomAD compares: Non-Finnish European, 0.00042%; no homozygotes.

Submissions 1 to 6 of 19:

ClinGen Cardiomyopathy Variant Curation Expert Panel
Classification: Likely pathogenic for Hypertrophic cardiomyopathy. Last evaluated: 2015-12-16. Review status: reviewed by expert panel. Criteria: ClinGen CMP ACMG Specifications v1. Collection method: curation. Allele origin: germline. Inheritance: Autosomal dominant inheritance.
Comment: The c.428G>A (p.Arg143Gln) variant in MYH7 has been reported in >20 individuals with hypertrophic cardiomyopathy (PS4; PMID:15563892; PMID:15358028; PMID:21252143; PMID:20075948; PMID:21239446; PMID:22765922; PMID:24093860; Partners LMM ClinVar SCV000059551.5). This variant segregated with disease in 4 affected individuals (PP1; Partners LMM ClinVar SCV000059551.5). This variant has been identified in 1/66732 European chromosomes (PM2). In summary, this variant meets criteria to be classified as likely pathogenic for hypertrophic cardiomyopathy in an autosomal dominant manner. MYH7-specific ACMG/AMP criteria applied (PMID:29300372): PS4; PM2; PP1

GeneDx
Classification: Likely pathogenic. Last evaluated: 2026-08-21. Review status: criteria provided, single submitter. Criteria: GeneDx Variant Classification Process June 2021. Collection method: clinical testing. Allele origin: germline. Not counted in ClinVar's aggregate classification.
Comment: Reported in multiple unrelated individuals with HCM referred for genetic testing at GeneDx and in published literature (PMID: 22765922, 8533830, 11433818, 15358028, 15563892, 21511876, 21239446, 22455086, 24093860, 25351510, 37466024, 37652022, 38880420, 28615295, 33495596, 33495597, Gagliardi et al. Cardiogenetics. 2025; 15(2):12. DOI 10.3390/cardiogenetics15020012); Not observed at significant frequency in large population cohorts (gnomAD); Located in the myosin motor domain, a region enriched with missense variants reported in association with HCM (PMID: 27532257, 29300372); In silico analysis suggests that this missense variant does not alter protein structure/function; This variant is associated with the following publications: (PMID: 24093860, 20075948, 8533830, 33673806, 15358028, 15563892, 21511876, 22455086, 25351510, 21252143, 21239446, 27247418, 26914223, 11433818, 27532257, 29300372, 25342278, 18383048, 33487615, 31424582, 23283745, 26656175, 27054166, 28408708, 32894683, 34542152, 35653365, 34726536, 36902152, 34076677, 22765922, 38582613, 36243179, 37466024, 37652022, 37907184, Gagliardi2025[CaseReport], 38880420, 28615295, 33495596, 33495597, 39843441, 36578016)

Labcorp Genetics (formerly Invitae), Labcorp
Classification: Pathogenic for Hypertrophic cardiomyopathy. Last evaluated: 2025-12-21. Review status: criteria provided, single submitter. Criteria: Invitae Variant Classification Sherloc (09022015). Collection method: clinical testing. Allele origin: germline. Not counted in ClinVar's aggregate classification.
Comment: This sequence change replaces arginine, which is basic and polar, with glutamine, which is neutral and polar, at codon 143 of the MYH7 protein (p.Arg143Gln). This variant is present in population databases (rs397516209, gnomAD 0.0009%). This missense change has been observed in individuals with hypertrophic cardiomyopathy (PMID: 15358028, 15563892, 20075948, 21252143, 22765922, 24093860, 26914223, 27247418). ClinVar contains an entry for this variant (Variation ID: 43006). Invitae Evidence Modeling of protein sequence and biophysical properties (such as structural, functional, and spatial information, amino acid conservation, physicochemical variation, residue mobility, and thermodynamic stability) indicates that this missense variant is expected to disrupt MYH7 protein function with a positive predictive value of 95%. This variant disrupts the p.Arg143 amino acid residue in MYH7. Other variant(s) that disrupt this residue have been determined to be pathogenic (PMID: 12820698, 12974739, 22429680, 24510615; internal data). This suggests that this residue is clinically significant, and that variants that disrupt this residue are likely to be disease-causing. For these reasons, this variant has been classified as Pathogenic.

Variantyx, Inc.
Classification: Likely pathogenic for Hypertrophic cardiomyopathy 1. Last evaluated: 2025-09-19. Review status: criteria provided, single submitter. Criteria: Variantyx Assertion Criteria 2022. Collection method: clinical testing. Allele origin: germline. Inheritance: Autosomal dominant inheritance. Affected: yes. Not counted in ClinVar's aggregate classification.
Comment: This is a nonsynonymous variant in the MYH7 gene (OMIM: 160760). Pathogenic variants in this gene have been associated with autosomal dominant hypertrophic cardiomyopathy 1. The frequency of this variant in affected individuals is significantly increased compared to controls (PMID: 15563892, 15358028, 21252143, 20075948, 21239446, 22765922, 24093860) (PS4), and two alternate amino acid changes at this position (p.Arg143Gly, p.Arg143Trp) have been previously reported in similarly affected individuals, which suggests that this residue is biologically important (PMID: 12820698, 22429680, 34598319, 35653365) (PM5_Supporting). Moreover, multiple computational algorithms predict a deleterious effect for this variant (REVEL score: 0.803) (PP3). This variant has a 0.0004% maximum allele frequency in non-founder control populations (PM2). Based on the current evidence, this variant is classified as likely pathogenic for autosomal dominant hypertrophic cardiomyopathy 1.

Ambry Genetics
Classification: Likely pathogenic for Cardiovascular phenotype. Last evaluated: 2025-03-06. Review status: criteria provided, single submitter. Criteria: Ambry Variant Classification Scheme 2023. Collection method: clinical testing. Allele origin: germline. Not counted in ClinVar's aggregate classification.
Comment: The p.R143Q variant (also known as c.428G>A), located in coding exon 3 of the MYH7 gene, results from a G to A substitution at nucleotide position 428. The arginine at codon 143 is replaced by glutamine, an amino acid with highly similar properties. This alteration has been reported multiple times in hypertrophic cardiomyopathy (HCM) cohorts (e.g., Song L et al. Clin. Chim. Acta. 2005;351:209-16; Meder B et al. Circ Cardiovasc Genet. 2011;4:110-22; Coto E et al. J Mol Diagn. 2012;14:518-24; Marsiglia JD et al. Am. Heart J. 2013;166:775-82; Bottillo I et al. Gene. 2016;577:227-35; Hathaway J et al. BMC Cardiovasc Disord, 2021 03;21:126). This amino acid position is highly conserved in available vertebrate species. In addition, this alteration is predicted to be deleterious by in silico analysis. This variant is considered to be rare based on population cohorts in the Genome Aggregation Database (gnomAD). Based on the majority of available evidence to date, this variant is likely to be pathogenic.

3billion
Classification: Pathogenic for Hypertrophic cardiomyopathy 1. Last evaluated: 2025-02-06. Review status: criteria provided, single submitter. Criteria: ACMG Guidelines, 2015. Collection method: clinical testing. Allele origin: germline. Affected: yes. Not counted in ClinVar's aggregate classification.
Comment: The variant is observed at an extremely low frequency in the gnomAD v4.1.0 dataset (total allele frequency: <0.001%). Predicted Consequence/Location: Missense variant In silico tool predictions suggest damaging effect of the variant on gene or gene product [REVEL: 0.80 (>=0.6, sensitivity 0.68 and specificity 0.92); 3Cnet: 0.99 (>=0.6, sensitivity 0.72 and precision 0.9)]. The same nucleotide change resulting in the same amino acid change has been previously reported as pathogenic/likely pathogenic with strong evidence (ClinVar ID: VCV000043006 /PMID: 8533830 /3billion dataset). The variant has been observed in multiple (>3) similarly affected unrelated individuals (PMID: 15358028, 15563892, 20075948, 21239446, 21252143, 22765922, 24093860). Different missense changes at the same codon (p.Arg143Gly, p.Arg143Leu, p.Arg143Pro, p.Arg143Trp) have been reported as pathogenic/likely pathogenic with strong evidence (ClinVar ID: VCV000164401, VCV001315601, VCV001501114, VCV002574111 /PMID: 12820698, 12974739 /3billion dataset). Therefore, this variant is classified as Pathogenic according to the recommendation of ACMG/AMP guideline.

NM_000257.4(MYH7):c.428G>A (p.Arg143Gln)

Gene: MYH7 (myosin heavy chain 7; minus strand). Cytogenetic location: 14q11.2.
Variant type: single nucleotide variant.
Coding change: c.428G>A on transcript NM_000257.4 (MANE Select); coding-DNA position 428, G replaced by A.
Protein change: p.Arg143Gln; replaces arginine 143 with glutamine.
Molecular consequence: missense variant.
Genome position (GRCh38, 1-based): chr14:23,432,713, C>T on the plus strand (G>A on the coding strand, the complement: MYH7 is on the minus strand). VCF-style: chr14-23432713-C-T. GRCh37 (hg19) VCF-style: chr14-23901922-C-T.
Other names: p.R143Q:CGG>CAG; NM_000257.3(MYH7):c.428G>A; short protein forms R143Q.
Identifiers: ClinVar variation 43006 (VCV000043006.43), dbSNP rs397516209, ClinGen allele CA014774.